The following is an entry in ClinVar:

ClinVar aggregate classification (germline): Likely benign (1 of 4 stars; one submission).

Conditions:
Hereditary pancreatitis (PCTT). Also called: PRSS1-Related Hereditary Pancreatitis; Hereditary chronic pancreatitis. Identifiers: Orphanet 676, MedGen C0238339, MONDO:0008185, OMIM 167800.

Allele frequency attached by ClinVar (database versions not stated): TOPMed 0.00023; 1000 Genomes Project 0.00060; 1000 Genomes Project 30x 0.00062.
gnomAD v4.1: 133 of 1,610,734 alleles (0.0083%); highest among the groups gnomAD compares: East Asian, 0.25%; no homozygotes.

Submission:

Illumina Laboratory Services, Illumina
Classification: Likely benign for Hereditary pancreatitis. Last evaluated: 2018-01-13. Review status: criteria provided, single submitter. Criteria: ICSL Variant Classification Criteria 13 December 2019. Collection method: clinical testing. Allele origin: germline.
Comment: This variant was observed in the ICSL laboratory as part of a predisposition screen in an ostensibly healthy population. It had not been previously curated by ICSL or reported in the Human Gene Mutation Database (HGMD: prior to June 1st, 2018), and was therefore a candidate for classification through an automated scoring system. Utilizing variant allele frequency, disease prevalence and penetrance estimates, and inheritance mode, an automated score was calculated to assess if this variant is too frequent to cause the disease. Based on the score and internal cut-off values, a variant classified as likely benign is not then subjected to further curation. The score for this variant resulted in a classification of likely benign for this disease.

NM_001379610.1(SPINK1):c.-42C>T

Gene: SPINK1 (serine peptidase inhibitor Kazal type 1; minus strand). Cytogenetic location: 5q32.
Variant type: single nucleotide variant.
Coding change: c.-42C>T on transcript NM_001379610.1 (MANE Select); 42 bases upstream of the start codon, C replaced by T.
Molecular consequence: 5 prime UTR variant.
Genome position (GRCh38, 1-based): chr5:147,831,619, G>A on the plus strand (C>T on the coding strand, the complement: SPINK1 is on the minus strand). VCF-style: chr5-147831619-G-A. GRCh37 (hg19) VCF-style: chr5-147211182-G-A.
Other names: c.-42C>T (NM_001354966.2, NM_003122.5).
Identifiers: ClinVar variation 907377 (VCV000907377.4), dbSNP rs181484530, ClinGen allele CA3494845.
Genomic context (GRCh38, chr5:147,831,619, plus strand): 5'-AGATGCCTGTTACCTTCATGGCTGAAGTTCTGCGTCCAGAGGTCAGTTGAAAACTGCACC[G>A]CACTTACCACGTCTCTTCAGAAGCCTGGGACTGGAAGGGTCATATGGCAGATGGCAGCAA-3'